The following is an entry in ClinVar:

ClinVar aggregate classification (germline): Uncertain significance (1 of 4 stars; one submission).

Conditions:
Developmental and epileptic encephalopathy, 1 (DEE1). Also called: X-linked infantile spasms; West's syndrome; Tonic spasms with clustering, arrest of psychomotor development and hypsarrhythmia on EEG; X-Linked Infantile Spasm Syndrome; OHTAHARA SYNDROME, X-LINKED; INFANTILE SPASM SYNDROME, X-LINKED 1. Identifiers: MedGen C3463992, MONDO:0010632, OMIM 308350. Disease mechanism: loss of function.
Autosomal recessive spinocerebellar ataxia 12. Also called: SPINOCEREBELLAR ATAXIA WITH MENTAL RETARDATION AND EPILEPSY. Identifiers: Orphanet 284282, MedGen C3280452, MONDO:0013687, OMIM 614322.

Allele frequency attached by ClinVar (database versions not stated): ExAC 0.00001; gnomAD 0.00001 and 0.00002; gnomAD exomes 0.00001; TOPMed 0.00001; ESP Exome Variant Server 0.00008.
gnomAD v4.1: 14 of 1,614,128 alleles (0.00087%); highest among the groups gnomAD compares: Admixed American, 0.005%; no homozygotes.

Submission:

Labcorp Genetics (formerly Invitae), Labcorp
Classification: Uncertain significance for Developmental and epileptic encephalopathy, 1; Autosomal recessive spinocerebellar ataxia 12. Last evaluated: 2023-11-27. Review status: criteria provided, single submitter. Criteria: Invitae Variant Classification Sherloc (09022015). Collection method: clinical testing. Allele origin: germline.
Comment: This sequence change replaces alanine, which is neutral and non-polar, with threonine, which is neutral and polar, at codon 196 of the WWOX protein (p.Ala196Thr). This variant is present in population databases (rs370367979, gnomAD 0.006%). This variant has not been reported in the literature in individuals affected with WWOX-related conditions. ClinVar contains an entry for this variant (Variation ID: 540237). Advanced modeling of protein sequence and biophysical properties (such as structural, functional, and spatial information, amino acid conservation, physicochemical variation, residue mobility, and thermodynamic stability) performed at Invitae indicates that this missense variant is not expected to disrupt WWOX protein function with a negative predictive value of 80%. In summary, the available evidence is currently insufficient to determine the role of this variant in disease. Therefore, it has been classified as a Variant of Uncertain Significance.

NM_016373.4(WWOX):c.586G>A (p.Ala196Thr)

Gene: WWOX (WW domain containing oxidoreductase; plus strand). Cytogenetic location: 16q23.1.
Variant type: single nucleotide variant.
Coding change: c.586G>A on transcript NM_016373.4 (MANE Select); coding-DNA position 586, G replaced by A.
Protein change: p.Ala196Thr; replaces alanine 196 with threonine.
Molecular consequence: missense variant.
Genome position (GRCh38, 1-based): chr16:78,386,929, G>A. VCF-style: chr16-78386929-G-A. GRCh37 (hg19) VCF-style: chr16-78420826-G-A.
Other names: c.247G>A, p.Ala83Thr (NM_001291997.2); short protein forms A196T, A83T.
Identifiers: ClinVar variation 540237 (VCV000540237.5), dbSNP rs370367979, ClinGen allele CA8183345.
Genomic context (GRCh38, chr16:78,386,929, plus strand): 5'-AAGGTAGAAGCAATGACCCTGGACCTCGCTCTGCTCCGTAGCGTGCAGCATTTTGCTGAA[G>A]CATTCAAGGCCAAGAATGTGTGAGTGTTCCAGTGGAGGGTTATAGATCATAATTTCTTGC-3'
Protein context (NP_057457.1, residues 186-206): LLRSVQHFAE[Ala196Thr]FKAKNVPLHV